The following is an entry in ClinVar:

ClinVar aggregate classification (germline): Likely benign. Review status: criteria provided, multiple submitters, no conflicts (2 of 4 stars). 3 submissions from 3 submitters: Likely benign (3). Last evaluated 2026-04-02.

Conditions:
MYO7A-related disorder. Also called: MYO7A-related disorders.

Allele frequency attached by ClinVar (database versions not stated): ExAC 0.00001; gnomAD exomes 0.00001.
gnomAD v4.1: 18 of 1,613,804 alleles (0.0011%); highest among the groups gnomAD compares: Non-Finnish European, 0.0015%; no homozygotes.

Submissions (3):

PreventionGenetics, part of Exact Sciences
Classification: Likely benign for MYO7A-related condition. Last evaluated: 2026-04-02. Review status: criteria provided, single submitter. Criteria: ACMG Guidelines, 2015. Collection method: clinical testing. Allele origin: germline.
Comment: This variant is classified as likely benign based on ACMG/AMP sequence variant interpretation guidelines (Richards et al. 2015 PMID: 25741868, with internal and published modifications).

Labcorp Genetics (formerly Invitae), Labcorp
Classification: Likely benign. Last evaluated: 2026-01-16. Review status: criteria provided, single submitter. Criteria: Invitae Variant Classification Sherloc (09022015). Collection method: clinical testing. Allele origin: germline.

Blueprint Genetics
Classification: Likely benign. Last evaluated: 2022-11-06. Review status: criteria provided, single submitter. Criteria: ACMG Guidelines, 2015. Collection method: clinical testing. Allele origin: germline.

NM_000260.4(MYO7A):c.1785C>G (p.Ala595=)

Gene: MYO7A (myosin VIIA; plus strand). Cytogenetic location: 11q13.5.
Variant type: single nucleotide variant.
Coding change: c.1785C>G on transcript NM_000260.4 (MANE Select); coding-DNA position 1785, C replaced by G.
Protein change: p.Ala595=; no amino-acid change (alanine 595 retained).
Molecular consequence: synonymous variant.
Genome position (GRCh38, 1-based): chr11:77,166,150, C>G. VCF-style: chr11-77166150-C-G. GRCh37 (hg19) VCF-style: chr11-76877196-C-G.
Other names: c.1785C>G (NM_000260.3); c.1785C>G, p.Ala595= (NM_001127180.2); c.1752C>G, p.Ala584= (NM_001369365.1).
Identifiers: ClinVar variation 1581392 (VCV001581392.10), dbSNP rs782096041, ClinGen allele CA6197587.
Genomic context (GRCh38, chr11:77,166,150, plus strand): 5'-GGACATTATCCAGCTGGTCCACTCCTCCAGGAACAAGTTCATCAAGCAGATCTTCCAGGC[C>G]GATGTCGCCATGGTAAGCCGGGTGCGGTTTCTGTTGTTCGGGAAGGGCCCCCACGGGCCA-3'
Protein context (NP_000251.3, residues 585-605): RNKFIKQIFQ[Ala595=]DVAMGAETRK